The following is an entry in ClinVar:

NM_152263.4(TPM3):c.87_91del (p.Gln30fs)

Gene: TPM3 (tropomyosin 3; minus strand). Cytogenetic location: 1q21.3.
Variant type: Deletion.
Coding change: c.87_91del on transcript NM_152263.4 (MANE Select); coding-DNA positions 87 to 91, 5 bases deleted (GCAGA; older notation c.87_91delGCAGA).
Protein change: p.Gln30fs; shifts the reading frame from glutamine 30.
Molecular consequence: frameshift variant. On other transcripts: non-coding transcript variant (1).
Genome position (GRCh38, 1-based): chr1:154,191,928-154,191,932, TCTGC deleted on the plus strand (GCAGA on the coding strand, the reverse complement: TPM3 is on the minus strand); deleting any 5 consecutive bases within chr1:154,191,928-154,191,934 gives the same sequence; the c. name uses the placement nearest the transcript's 3' end. VCF-style (leftmost placement, unchanged base first): chr1-154191927-TTCTGC-T. GRCh37 (hg19) VCF-style: chr1-154164403-TTCTGC-T.
Other names: c.87_91del, p.Gln30fs (NM_001364679.2, NM_001364680.2, NM_001364681.2 and 1 more transcripts); short protein forms Q30fs.
Identifiers: ClinVar variation 1394827 (VCV001394827.6), dbSNP rs2148295371, ClinGen allele CA2573131057.

ClinVar aggregate classification (germline): Pathogenic (1 of 4 stars; one submission).

Conditions:
Congenital myopathy with fiber type disproportion. Also called: Congenital fiber-type disproportion myopathy; Congenital fiber-type disproportion. Identifiers: Orphanet 2020, MedGen C0546264, MONDO:0009711. Inheritance: all.
Congenital myopathy 4B, autosomal recessive. Also called: Nemaline myopathy 1, autosomal dominant or recessive. Identifiers: Orphanet 171433, Orphanet 171439, Orphanet 171881, MedGen C5829889, MONDO:0012239, OMIM 609284.

Submission:

Labcorp Genetics (formerly Invitae), Labcorp
Classification: Pathogenic for Congenital myopathy with fiber type disproportion; Congenital myopathy 4B, autosomal recessive. Last evaluated: 2024-01-24. Review status: criteria provided, single submitter. Criteria: Invitae Variant Classification Sherloc (09022015). Collection method: clinical testing. Allele origin: germline.
Comment: This sequence change creates a premature translational stop signal (p.Gln30Alafs*7) in the TPM3 gene. It is expected to result in an absent or disrupted protein product. Loss-of-function variants in TPM3 are known to be pathogenic (PMID: 10619715, 27858751). This variant is not present in population databases (gnomAD no frequency). This variant has not been reported in the literature in individuals affected with TPM3-related conditions. ClinVar contains an entry for this variant (Variation ID: 1394827). For these reasons, this variant has been classified as Pathogenic.

Literature cited by the submitters: PubMed 10619715; PubMed 27858751.